The following is an entry in ClinVar:

ClinVar aggregate classification (germline): Likely benign. Review status: criteria provided, multiple submitters, no conflicts (2 of 4 stars). 3 submissions from 3 submitters: Likely benign (2). 1 of the submissions does not count toward it. Last evaluated 2024-12-10.

Conditions:
IFT172-related disorder. Also called: IFT172-related disorders; IFT172-related condition.
Short-rib thoracic dysplasia 10 with or without polydactyly (SRTD10). Identifiers: Orphanet 474, MedGen C3810175, MONDO:0014284, OMIM 615630.
Retinitis pigmentosa 71 (RP71). Identifiers: Orphanet 791, MedGen C4225342, MONDO:0014618, OMIM 616394.

Allele frequency attached by ClinVar (database versions not stated): ExAC 0.00003; gnomAD exomes 0.00003.
gnomAD v4.1: 109 of 1,598,044 alleles (0.0068%); highest among the groups gnomAD compares: Non-Finnish European, 0.0087%; no homozygotes.

Submissions (3):

Labcorp Genetics (formerly Invitae), Labcorp
Classification: Likely benign for Retinitis pigmentosa 71; Short-rib thoracic dysplasia 10 with or without polydactyly. Last evaluated: 2024-12-10. Review status: criteria provided, single submitter. Criteria: Invitae Variant Classification Sherloc (09022015). Collection method: clinical testing. Allele origin: germline.

Blueprint Genetics
Classification: Likely benign. Last evaluated: 2024-10-21. Review status: criteria provided, single submitter. Criteria: ACMG Guidelines, 2015. Collection method: clinical testing. Allele origin: germline.

PreventionGenetics, part of Exact Sciences
Classification: Likely benign for IFT172-related condition. Last evaluated: 2023-03-08. Review status: no assertion criteria provided. Collection method: clinical testing. Allele origin: germline. Not counted in ClinVar's aggregate classification.
Comment: This variant is classified as likely benign based on ACMG/AMP sequence variant interpretation guidelines (Richards et al. 2015 PMID: 25741868, with internal and published modifications).

NM_015662.3(IFT172):c.4051-9A>G

Gene: IFT172 (intraflagellar transport 172; minus strand). Cytogenetic location: 2p23.3.
Variant type: single nucleotide variant.
Coding change: c.4051-9A>G on transcript NM_015662.3 (MANE Select); 9 bases into the intron before coding-DNA position 4051, A replaced by G.
Molecular consequence: intron variant.
Genome position (GRCh38, 1-based): chr2:27,449,809, T>C on the plus strand (A>G on the coding strand, the complement: IFT172 is on the minus strand). VCF-style: chr2-27449809-T-C. GRCh37 (hg19) VCF-style: chr2-27672676-T-C.
Other names: c.4051-9A>G (NM_015662.2).
Identifiers: ClinVar variation 1085434 (VCV001085434.11), dbSNP rs772647033, ClinGen allele CA1579729.